The following is an entry in ClinVar:

ClinVar aggregate classification (germline): Uncertain significance (1 of 4 stars; one submission).

Conditions:
Cardiovascular phenotype. Identifiers: MedGen CN230736.

gnomAD v4.1: 5 of 1,614,110 alleles (0.00031%); highest among the groups gnomAD compares: Admixed American, 0.0083%; no homozygotes.

Submission:

Ambry Genetics
Classification: Uncertain significance for Cardiovascular phenotype. Last evaluated: 2026-09-11. Review status: criteria provided, single submitter. Criteria: Ambry Variant Classification Scheme 2023. Collection method: clinical testing. Allele origin: germline.
Comment: The p.L1258M variant (also known as c.3772C>A), located in coding exon 24 of the APOB gene, results from a C to A substitution at nucleotide position 3772. The leucine at codon 1258 is replaced by methionine, an amino acid with highly similar properties. This amino acid position is conserved. In addition, this alteration is predicted to be tolerated by in silico analysis. Based on the available evidence, the clinical significance of this variant remains unclear.

NM_000384.3(APOB):c.3772C>A (p.Leu1258Met)

Gene: APOB (apolipoprotein B; minus strand). Cytogenetic location: 2p24.1.
Variant type: single nucleotide variant.
Coding change: c.3772C>A on transcript NM_000384.3 (MANE Select); coding-DNA position 3772, C replaced by A.
Protein change: p.Leu1258Met; replaces leucine 1258 with methionine.
Molecular consequence: missense variant.
Genome position (GRCh38, 1-based): chr2:21,014,518, G>T on the plus strand (C>A on the coding strand, the complement: APOB is on the minus strand). VCF-style: chr2-21014518-G-T. GRCh37 (hg19) VCF-style: chr2-21237390-G-T.
Other names: short protein forms L1258M.
Identifiers: ClinVar variation 3308271 (VCV003308271.2).